The following is an entry in ClinVar:

ClinVar aggregate classification (germline): Uncertain significance (1 of 4 stars; one submission).

Allele frequency attached by ClinVar (database versions not stated): gnomAD exomes below 0.00001.
gnomAD v4.1: 8 of 1,614,184 alleles (0.0005%); highest among the groups gnomAD compares: African/African-American, 0.0027%; no homozygotes.

Submission:

Ambry Genetics
Classification: Uncertain significance. Last evaluated: 2025-05-14. Review status: criteria provided, single submitter. Criteria: Ambry Variant Classification Scheme 2023. Collection method: clinical testing. Allele origin: germline.
Comment: The p.I335T variant (also known as c.1004T>C), located in coding exon 8 of the PDLIM3 gene, results from a T to C substitution at nucleotide position 1004. The isoleucine at codon 335 is replaced by threonine, an amino acid with similar properties. This amino acid position is conserved. In addition, the in silico prediction for this alteration is inconclusive. Based on the available evidence, the clinical significance of this variant remains unclear.

NM_014476.6(PDLIM3):c.1004T>C (p.Ile335Thr)

Gene: PDLIM3 (PDZ and LIM domain 3; minus strand). Cytogenetic location: 4q35.1.
Variant type: single nucleotide variant.
Coding change: c.1004T>C on transcript NM_014476.6 (MANE Select); coding-DNA position 1004, T replaced by C.
Protein change: p.Ile335Thr; replaces isoleucine 335 with threonine.
Molecular consequence: missense variant. On other transcripts: non-coding transcript variant (1).
Genome position (GRCh38, 1-based): chr4:185,502,385, A>G on the plus strand (T>C on the coding strand, the complement: PDLIM3 is on the minus strand). VCF-style: chr4-185502385-A-G. GRCh37 (hg19) VCF-style: chr4-186423539-A-G.
Other names: c.860T>C, p.Ile287Thr (NM_001114107.5); c.740T>C, p.Ile247Thr (NM_001257962.2); c.503T>C, p.Ile168Thr (NM_001257963.2); short protein forms I168T, I247T, I287T, I335T.
Identifiers: ClinVar variation 2513944 (VCV002513944.3), dbSNP rs149332321, ClinGen allele CA3159613.